The following is an entry in ClinVar:

ClinVar aggregate classification (germline): Conflicting classifications of pathogenicity. Review status: criteria provided, conflicting classifications (1 of 4 stars). 3 submissions from 3 submitters: Likely pathogenic (1); Uncertain significance (2). Last evaluated 2025-06-23.

Conditions:
CEP164-related disorder. Also called: CEP164-related condition.
Nephronophthisis 15 (NPHP15). Identifiers: Orphanet 3156, MedGen C3541853, MONDO:0013917, OMIM 614845.

Submissions (3):

PreventionGenetics, part of Exact Sciences
Classification: Uncertain significance for CEP164-related condition. Last evaluated: 2025-06-23. Review status: criteria provided, single submitter. Criteria: ACMG Guidelines, 2015. Collection method: clinical testing. Allele origin: germline.
Comment: The CEP164 c.2844+5G>C variant is predicted to interfere with splicing. This variant is predicted to weaken the canonical splice donor site (SpliceAI, Jaganathan et al. 2019. PubMed ID: 30661751). To our knowledge, this variant has not been reported in the literature or in a large population database (gnomAD), indicating this variant is rare. Although we suspect that this variant may be pathogenic, at this time, the clinical significance of this variant is uncertain due to the absence of conclusive functional and genetic evidence.

GeneDx
Classification: Likely pathogenic. Last evaluated: 2025-04-15. Review status: criteria provided, single submitter. Criteria: GeneDx Variant Classification Process June 2021. Collection method: clinical testing. Allele origin: germline. Affected: yes.
Comment: Intronic +5 splice site variant in a gene for which loss of function is a known mechanism of disease, and both splice predictors and evolutionary conservation support a deleterious effect, although in the absence of functional evidence the actual effect of this sequence change is unknown.; Not observed at significant frequency in large population cohorts (gnomAD); Has not been previously published as pathogenic or benign to our knowledge

Labcorp Genetics (formerly Invitae), Labcorp
Classification: Uncertain significance for Nephronophthisis 15. Last evaluated: 2021-01-20. Review status: criteria provided, single submitter. Criteria: Invitae Variant Classification Sherloc (09022015). Collection method: clinical testing. Allele origin: germline.
Comment: In summary, the available evidence is currently insufficient to determine the role of this variant in disease. Therefore, it has been classified as a Variant of Uncertain Significance. Nucleotide substitutions within the consensus splice site are a relatively common cause of aberrant splicing (PMID: 17576681, 9536098). Algorithms developed to predict the effect of sequence changes on RNA splicing suggest that this variant may disrupt the consensus splice site, but this prediction has not been confirmed by published transcriptional studies. This variant has not been reported in the literature in individuals with CEP164-related conditions. This variant is not present in population databases (ExAC no frequency). This sequence change falls in intron 22 of the CEP164 gene. It does not directly change the encoded amino acid sequence of the CEP164 protein. It affects a nucleotide within the consensus splice site of the intron.

Literature cited by the submitters: PubMed 17576681 (cited by Labcorp Genetics (formerly Invitae), Labcorp); PubMed 9536098 (cited by Labcorp Genetics (formerly Invitae), Labcorp).

NM_014956.5(CEP164):c.2844+5G>C

Gene: CEP164 (centrosomal protein 164; plus strand). Cytogenetic location: 11q23.3.
Variant type: single nucleotide variant.
Coding change: c.2844+5G>C on transcript NM_014956.5 (MANE Select); 5 bases into the intron after coding-DNA position 2844, G replaced by C.
Molecular consequence: intron variant.
Genome position (GRCh38, 1-based): chr11:117,395,008, G>C. VCF-style: chr11-117395008-G-C. GRCh37 (hg19) VCF-style: chr11-117265724-G-C.
Other names: c.2844+5G>C (NM_014956.4); c.2853+5G>C (NM_001271933.2).
Identifiers: ClinVar variation 1344966 (VCV001344966.9), dbSNP rs2136434803, ClinGen allele CA2573146822.